The following is an entry in ClinVar:

ClinVar aggregate classification (germline): Uncertain significance. Review status: criteria provided, multiple submitters, no conflicts (2 of 4 stars). 2 submissions from 2 submitters: Uncertain significance (2). Last evaluated 2026-01-26.

Conditions:
VPS13B-related disorder. Also called: VPS13B-related condition.
Cohen syndrome (COH1). Also called: PEPPER SYNDROME; Cutis verticis gyrata, retinitis pigmentosa, and sensorineural deafness. Identifiers: Orphanet 193, MedGen C0265223, MONDO:0008999, OMIM 216550.

Allele frequency attached by ClinVar (database versions not stated): TOPMed below 0.00001; gnomAD 0.00001; gnomAD exomes 0.00001 and 0.00002; ExAC 0.00005.
gnomAD v4.1: 13 of 1,613,724 alleles (0.00081%); highest among the groups gnomAD compares: Non-Finnish European, 0.001%; no homozygotes.

Submissions (2):

Labcorp Genetics (formerly Invitae), Labcorp
Classification: Uncertain significance for Cohen syndrome. Last evaluated: 2026-01-26. Review status: criteria provided, single submitter. Criteria: Invitae Variant Classification Sherloc (09022015). Collection method: clinical testing. Allele origin: germline.
Comment: This sequence change replaces aspartic acid with glycine at codon 1500 of the VPS13B protein (p.Asp1500Gly). The aspartic acid residue is moderately conserved and there is a moderate physicochemical difference between aspartic acid and glycine. This variant is present in population databases (rs751663330, gnomAD 0.005%). This variant has not been reported in the literature in individuals affected with VPS13B-related conditions. ClinVar contains an entry for this variant (Variation ID: 965330). Invitae Evidence Modeling of protein sequence and biophysical properties (such as structural, functional, and spatial information, amino acid conservation, physicochemical variation, residue mobility, and thermodynamic stability) indicates that this missense variant is expected to disrupt VPS13B protein function with a positive predictive value of 80%. Algorithms developed to predict the effect of sequence changes on RNA splicing suggest that this variant may create or strengthen a splice site. In summary, the available evidence is currently insufficient to determine the role of this variant in disease. Therefore, it has been classified as a Variant of Uncertain Significance.

PreventionGenetics, part of Exact Sciences
Classification: Uncertain significance for VPS13B-related condition. Last evaluated: 2025-11-26. Review status: criteria provided, single submitter. Criteria: ACMG Guidelines, 2015. Collection method: clinical testing. Allele origin: germline.
Comment: The VPS13B c.4424A>G variant is predicted to result in the amino acid substitution p.Asp1475Gly. To our knowledge, this variant has not been reported in the literature. This variant is reported in 0.0053% of alleles in individuals of European (Non-Finnish) descent in gnomAD. At this time, the clinical significance of this variant is uncertain due to the absence of conclusive functional and genetic evidence.

NM_152564.5(VPS13B):c.4424A>G (p.Asp1475Gly)

Gene: VPS13B (vacuolar protein sorting 13 homolog B; plus strand). Cytogenetic location: 8q22.2.
Variant type: single nucleotide variant.
Coding change: c.4424A>G on transcript NM_152564.5 (MANE Select); coding-DNA position 4424, A replaced by G.
Protein change: p.Asp1475Gly; replaces aspartic acid 1475 with glycine.
Molecular consequence: missense variant.
Genome position (GRCh38, 1-based): chr8:99,511,303, A>G. VCF-style: chr8-99511303-A-G. GRCh37 (hg19) VCF-style: chr8-100523531-A-G.
Other names: c.4424A>G (NM_152564.4); c.4499A>G, p.Asp1500Gly (NM_017890.5); short protein forms D1475G, D1500G.
Identifiers: ClinVar variation 965330 (VCV000965330.8), dbSNP rs751663330, ClinGen allele CA4823534.